The following is an entry in ClinVar:

ClinVar aggregate classification (germline): Uncertain significance (1 of 4 stars; one submission).

Allele frequency attached by ClinVar (database versions not stated): ExAC 0.00001; gnomAD exomes 0.00001.
gnomAD v4.1: 4 of 1,614,068 alleles (0.00025%); highest among the groups gnomAD compares: South Asian, 0.0044%; no homozygotes.

Submission:

Labcorp Genetics (formerly Invitae), Labcorp
Classification: Uncertain significance. Last evaluated: 2022-07-17. Review status: criteria provided, single submitter. Criteria: Invitae Variant Classification Sherloc (09022015). Collection method: clinical testing. Allele origin: germline.
Comment: This sequence change replaces isoleucine, which is neutral and non-polar, with methionine, which is neutral and non-polar, at codon 179 of the MRAS protein (p.Ile179Met). This variant is present in population databases (rs770370931, gnomAD 0.003%). This variant has not been reported in the literature in individuals affected with MRAS-related conditions. Algorithms developed to predict the effect of missense changes on protein structure and function are either unavailable or do not agree on the potential impact of this missense change (SIFT: "Deleterious"; PolyPhen-2: "Benign"; Align-GVGD: "Class C0"). In summary, the available evidence is currently insufficient to determine the role of this variant in disease. Therefore, it has been classified as a Variant of Uncertain Significance.

NM_001085049.3(MRAS):c.537T>G (p.Ile179Met)

Gene: MRAS (muscle RAS oncogene homolog; plus strand). Cytogenetic location: 3q22.3.
Variant type: single nucleotide variant.
Coding change: c.537T>G on transcript NM_001085049.3 (MANE Select); coding-DNA position 537, T replaced by G.
Protein change: p.Ile179Met; replaces isoleucine 179 with methionine.
Molecular consequence: missense variant.
Genome position (GRCh38, 1-based): chr3:138,402,179, T>G. VCF-style: chr3-138402179-T-G. GRCh37 (hg19) VCF-style: chr3-138121021-T-G.
Other names: c.537T>G, p.Ile179Met (NM_001252090.2, NM_012219.4); c.309T>G, p.Ile103Met (NM_001252091.1, NM_001252092.2, NM_001252093.2); short protein forms I179M, I103M.
Identifiers: ClinVar variation 2017761 (VCV002017761.4), dbSNP rs770370931, ClinGen allele CA2637058.